The following is an entry in ClinVar:

ClinVar aggregate classification (germline): Uncertain significance. Review status: criteria provided, multiple submitters, no conflicts (2 of 4 stars). 2 submissions from 2 submitters: Uncertain significance (2). Last evaluated 2024-04-02.

Conditions:
Cardiovascular phenotype. Identifiers: MedGen CN230736.
Catecholaminergic polymorphic ventricular tachycardia 1. Also called: RYR2-Related Catecholaminergic Polymorphic Ventricular Tachycardia; VENTRICULAR TACHYCARDIA, CATECHOLAMINERGIC POLYMORPHIC, 1, WITH OR WITHOUT ATRIAL DYSFUNCTION AND/OR DILATED CARDIOMYOPATHY; VENTRICULAR TACHYCARDIA, STRESS-INDUCED POLYMORPHIC 1. Identifiers: Orphanet 3286, MedGen C1631597, MONDO:0011484, OMIM 604772.

Allele frequency attached by ClinVar (database versions not stated): gnomAD exomes below 0.00001 and 0.00001; gnomAD 0.00001; TOPMed 0.00002.
gnomAD v4.1: 4 of 1,539,390 alleles (0.00026%); highest among the groups gnomAD compares: African/African-American, 0.0055%; no homozygotes.

Submissions (2):

Ambry Genetics
Classification: Uncertain significance for Cardiovascular phenotype. Last evaluated: 2024-04-02. Review status: criteria provided, single submitter. Criteria: Ambry Variant Classification Scheme 2023. Collection method: clinical testing. Allele origin: germline.
Comment: The p.Q564E variant (also known as c.1690C>G), located in coding exon 30 of the TRDN gene, results from a C to G substitution at nucleotide position 1690. The glutamine at codon 564 is replaced by glutamic acid, an amino acid with highly similar properties. This amino acid position is well conserved in available vertebrate species. In addition, this alteration is predicted to be tolerated by in silico analysis. Based on the available evidence, the clinical significance of this alteration remains unclear.

Labcorp Genetics (formerly Invitae), Labcorp
Classification: Uncertain significance for Catecholaminergic polymorphic ventricular tachycardia 1. Last evaluated: 2021-11-22. Review status: criteria provided, single submitter. Criteria: Invitae Variant Classification Sherloc (09022015). Collection method: clinical testing. Allele origin: germline.
Comment: This sequence change replaces glutamine, which is neutral and polar, with glutamic acid, which is acidic and polar, at codon 564 of the TRDN protein (p.Gln564Glu). The frequency data for this variant in the population databases is considered unreliable, as metrics indicate poor data quality at this position in the gnomAD database. This variant has not been reported in the literature in individuals affected with TRDN-related conditions. ClinVar contains an entry for this variant (Variation ID: 1008001). Algorithms developed to predict the effect of missense changes on protein structure and function are either unavailable or do not agree on the potential impact of this missense change (SIFT: "Deleterious"; PolyPhen-2: "Benign"; Align-GVGD: "Class C0"). In summary, the available evidence is currently insufficient to determine the role of this variant in disease. Therefore, it has been classified as a Variant of Uncertain Significance.

NM_006073.4(TRDN):c.1690C>G (p.Gln564Glu)

Gene: TRDN (triadin; minus strand). Cytogenetic location: 6q22.31.
Variant type: single nucleotide variant.
Coding change: c.1690C>G on transcript NM_006073.4 (MANE Select); coding-DNA position 1690, C replaced by G.
Protein change: p.Gln564Glu; replaces glutamine 564 with glutamic acid.
Molecular consequence: missense variant.
Genome position (GRCh38, 1-based): chr6:123,271,169, G>C on the plus strand (C>G on the coding strand, the complement: TRDN is on the minus strand). VCF-style: chr6-123271169-G-C. GRCh37 (hg19) VCF-style: chr6-123592314-G-C.
Other names: c.1690C>G (NM_006073.2); short protein forms Q564E.
Identifiers: ClinVar variation 1008001 (VCV001008001.6), dbSNP rs892905883, ClinGen allele CA147231208.